The following is an entry in ClinVar:

NM_001379500.1(COL18A1):c.2774G>A (p.Gly925Glu)

Genes: COL18A1 (collagen type XVIII alpha 1 chain; plus strand), SLC19A1 (solute carrier family 19 member 1; minus strand). Cytogenetic location: 21q22.3.
Variant type: single nucleotide variant.
Coding change: c.2774G>A on transcript NM_001379500.1 (MANE Select); coding-DNA position 2774, G replaced by A.
Protein change: p.Gly925Glu; replaces glycine 925 with glutamic acid.
Molecular consequence: missense variant.
Genome position (GRCh38, 1-based): chr21:45,504,462, G>A. VCF-style: chr21-45504462-G-A. GRCh37 (hg19) VCF-style: chr21-46924376-G-A.
Other names: c.3314G>A, p.Gly1105Glu (NM_030582.4); c.4019G>A, p.Gly1340Glu (NM_130444.3); short protein forms G1340E, G1105E, G925E.
Identifiers: ClinVar variation 1378478 (VCV001378478.5), dbSNP rs770239817, ClinGen allele CA10067455.

ClinVar aggregate classification (germline): Uncertain significance (1 of 4 stars; one submission).

Allele frequency attached by ClinVar (database versions not stated): gnomAD exomes below 0.00001; TOPMed below 0.00001; ExAC 0.00001.
gnomAD v4.1: 2 of 1,610,714 alleles (0.00012%); highest among the groups gnomAD compares: Non-Finnish European, 0.00017%; no homozygotes.

Submission:

Labcorp Genetics (formerly Invitae), Labcorp
Classification: Uncertain significance. Last evaluated: 2022-08-31. Review status: criteria provided, single submitter. Criteria: Invitae Variant Classification Sherloc (09022015). Collection method: clinical testing. Allele origin: germline.
Comment: This sequence change replaces glycine with glutamic acid at codon 925 of the COL18A1 protein (p.Gly925Glu). There is a moderate physicochemical difference between glycine and glutamic acid. The frequency data for this variant in the population databases is considered unreliable, as metrics indicate poor data quality at this position in the gnomAD database. This variant has not been reported in the literature in individuals affected with COL18A1-related conditions. ClinVar contains an entry for this variant (Variation ID: 1378478). Experimental studies and prediction algorithms are not available or were not evaluated, and the functional significance of this variant is currently unknown. In summary, the available evidence is currently insufficient to determine the role of this variant in disease. Therefore, it has been classified as a Variant of Uncertain Significance.